The following is an entry in ClinVar:

ClinVar aggregate classification (germline): Likely pathogenic. Review status: reviewed by expert panel (3 of 4 stars). 4 submissions from 4 submitters: Likely pathogenic (1). 3 of the submissions do not count toward it. Last evaluated 2025-12-02.

Conditions:
Hereditary breast ovarian cancer syndrome. Also called: Hereditary breast and ovarian cancer; Hereditary breast and/or ovarian cancer syndrome; BRCA1- and BRCA2-Associated Hereditary Breast and Ovarian Cancer; Hereditary breast and ovarian cancer syndrome; Hereditary breast and ovarian cancer syndrome (HBOC); Breast and ovarian cancer. Identifiers: Orphanet 145, MedGen C0677776, MeSH D061325, MONDO:0003582. Disease mechanism: loss of function.
BRCA2-related cancer predisposition. Identifiers: MedGen CN377758, MONDO:0700269.
Hereditary cancer-predisposing syndrome. Also called: Tumor predisposition; Hereditary Cancer Syndrome; Hereditary neoplastic syndrome; Neoplastic Syndromes, Hereditary. Identifiers: Orphanet 140162, MedGen C0027672, MeSH D009386, MONDO:0015356.

Submissions (4):

ClinGen ENIGMA BRCA1 and BRCA2 Variant Curation Expert Panel, ClinGen
Classification: Likely pathogenic for BRCA2-related cancer predisposition. Last evaluated: 2025-12-02. Review status: reviewed by expert panel. Criteria: CSpec BRCA12ACMG Rules Specifications V1.1. Collection method: curation. Allele origin: germline. Inheritance: Autosomal dominant inheritance.
Comment: The c.7967T>A variant in BRCA2 is a missense variant predicted to cause substitution of Leucine by Glutamine at amino acid 2656 (p.(Leu2656Gln)). This variant is absent from gnomAD v2.1 (exomes only, non-cancer subset, read depth ≥25) and gnomAD v3.1 (non-cancer subset, read depth ≥25) (PM2_Supporting met). Reported by three calibrated studies to exhibit protein function similar to pathogenic control variants (PMIDs: 38417439, 39779857, 39779848) (PS3 met). This BRCA2 missense variant is within a key functional domain and the computational predictor BayesDel (noAF) gives a score of 0.416, above the recommended threshold of 0.30 for prediction of impact on BRCA2 function via protein change. A SpliceAI score of 0.03 predicts no impact on splicing (score threshold ≤0.1) (PP3 met). In summary, this variant meets the criteria to be classified as a Likely pathogenic variant for BRCA2-related cancer predisposition based on the ACMG/AMP criteria applied as specified by the ENIGMA BRCA1/2 VCEP (PM2_Supporting, PS3, PP3).

All of Us Research Program, National Institutes of Health
Classification: Uncertain significance for BRCA2-related cancer predisposition. Last evaluated: 2024-07-20. Review status: criteria provided, single submitter. Criteria: ACMG Guidelines, 2015. Collection method: clinical testing. Allele origin: germline. Inheritance: Autosomal dominant inheritance. Observed: 1 variant allele, 1 heterozygote. Not counted in ClinVar's aggregate classification.
Comment: This missense variant replaces leucine with glutamine at codon 2656 of the BRCA2 protein. Computational prediction suggests that this variant may have deleterious impact on protein structure and function. A functional study performed by an external laboratory has shown this variant is non-functional in homology-directed DNA repair (ClinVar Accession SCV001189495.4). This variant has not been reported in individuals affected with BRCA2-related disorders in the literature. This variant has not been identified in the general population by the Genome Aggregation Database (gnomAD). The available evidence is insufficient to determine the role of this variant in disease conclusively. Therefore, this variant is classified as a Variant of Uncertain Significance.

This study involves interpretation of variants in research participants for the purpose of population health screening. Participant phenotype was not available at the time of variant classification. Additional details can be found in publication PMID: 35346344, PMCID: PMC8962531

Ambry Genetics
Classification: Likely pathogenic for Hereditary cancer-predisposing syndrome. Last evaluated: 2023-12-26. Review status: criteria provided, single submitter. Criteria: Ambry Variant Classification Scheme 2023. Collection method: clinical testing. Allele origin: germline. Not counted in ClinVar's aggregate classification.
Comment: The p.L2656Q variant (also known as c.7967T>A), located in coding exon 16 of the BRCA2 gene, results from a T to A substitution at nucleotide position 7967. The leucine at codon 2656 is replaced by glutamine, an amino acid with dissimilar properties. This variant was non-functional in a homology-directed DNA repair assay (Ambry internal data). This alteration is also predicted to destabilize the local structure and disrupt the protein binding ability of BRCA2 (Yang H et al. Science 2002 Sep;297:1837-48; Marston NJ et al. Mol. Cell. Biol. 1999 Jul;19:4633-42; Ambry internal data). This amino acid position is highly conserved in available vertebrate species. In addition, this alteration is predicted to be deleterious by in silico analysis. Based on the majority of available evidence to date, this variant is likely to be pathogenic.

Labcorp Genetics (formerly Invitae), Labcorp
Classification: Uncertain significance for Hereditary breast ovarian cancer syndrome. Last evaluated: 2018-06-19. Review status: criteria provided, single submitter. Criteria: Invitae Variant Classification Sherloc (09022015). Collection method: clinical testing. Allele origin: germline. Not counted in ClinVar's aggregate classification.
Comment: This sequence change replaces leucine with glutamine at codon 2656 of the BRCA2 protein (p.Leu2656Gln). The leucine residue is highly conserved and there is a moderate physicochemical difference between leucine and glutamine. In summary, this variant is a novel missense change with uncertain impact on protein function. It has been classified as a Variant of Uncertain Significance. Algorithms developed to predict the effect of missense changes on protein structure and function (SIFT, PolyPhen-2, Align-GVGD) all suggest that this variant is likely to be disruptive, but these predictions have not been confirmed by published functional studies. This variant is not present in population databases (ExAC no frequency) and has not been reported in the literature in individuals with a BRCA2-related disease.

NM_000059.4(BRCA2):c.7967T>A (p.Leu2656Gln)

Gene: BRCA2 (BRCA2 DNA repair associated; plus strand). Cytogenetic location: 13q13.1.
Variant type: single nucleotide variant.
Coding change: c.7967T>A on transcript NM_000059.4 (MANE Select); coding-DNA position 7967, T replaced by A.
Protein change: p.Leu2656Gln; replaces leucine 2656 with glutamine.
Molecular consequence: missense variant.
Genome position (GRCh38, 1-based): chr13:32,362,684, T>A. VCF-style: chr13-32362684-T-A. GRCh37 (hg19) VCF-style: chr13-32936821-T-A.
Other names: NM_000059.4(BRCA2):c.7967T>A; p.Leu2656Gln; short protein forms L2656Q.
Identifiers: ClinVar variation 409564 (VCV000409564.15), dbSNP rs886037817, ClinGen allele CA16613950.